The following is an entry in ClinVar:

ClinVar aggregate classification (germline): Uncertain significance. Review status: criteria provided, multiple submitters, no conflicts (2 of 4 stars). 2 submissions from 2 submitters: Uncertain significance (2). Last evaluated 2024-02-19.

Conditions:
Juvenile nephropathic cystinosis. Also called: Later-Onset (Juvenile) Cystinosis; Intermediate Cystinosis; CYSTINOSIS, LATE-ONSET JUVENILE OR ADOLESCENT NEPHROPATHIC TYPE. Identifiers: Orphanet 213, Orphanet 411634, MedGen C0268626, MONDO:0009066, OMIM 219900.
Nephropathic cystinosis (CTNS). Also called: Abderhalden Lignac Kaufmann disease; Abderhalden-Kaufmann-Lignac syndrome; CYSTINOSIN, DEFECT OF; LYSOSOMAL CYSTINE TRANSPORT PROTEIN, DEFECT OF. Identifiers: Orphanet 213, Orphanet 411629, MedGen C2931187, MONDO:0100151, OMIM 219800.
Ocular cystinosis. Also called: Non-Nephropathic (Ocular) Cystinosis; Non-Nephropathic Cystinosis. Identifiers: Orphanet 213, Orphanet 411641, MedGen C2931013, MONDO:0009064, OMIM 219750.
Inborn genetic diseases. Identifiers: MedGen C0950123, MeSH D030342.

Allele frequency attached by ClinVar (database versions not stated): gnomAD exomes below 0.00001.
gnomAD v4.1: 5 of 1,612,038 alleles (0.00031%); highest among the groups gnomAD compares: East Asian, 0.0022%; no homozygotes.

Submissions (2):

Fulgent Genetics
Classification: Uncertain significance for Ocular cystinosis; Nephropathic cystinosis; Juvenile nephropathic cystinosis. Last evaluated: 2024-02-19. Review status: criteria provided, single submitter. Criteria: ACMG Guidelines, 2015. Collection method: clinical testing. Allele origin: germline.

Labcorp Genetics (formerly Invitae), Labcorp
Classification: Uncertain significance for Inborn genetic diseases; Ocular cystinosis; Juvenile nephropathic cystinosis. Last evaluated: 2022-08-20. Review status: criteria provided, single submitter. Criteria: Invitae Variant Classification Sherloc (09022015). Collection method: clinical testing. Allele origin: germline.
Comment: This sequence change replaces threonine, which is neutral and polar, with alanine, which is neutral and non-polar, at codon 277 of the CTNS protein (p.Thr277Ala). This variant is present in population databases (no rsID available, gnomAD 0.006%). This variant has not been reported in the literature in individuals affected with CTNS-related conditions. Algorithms developed to predict the effect of missense changes on protein structure and function are either unavailable or do not agree on the potential impact of this missense change (SIFT: "Deleterious"; PolyPhen-2: "Probably Damaging"; Align-GVGD: "Class C0"). In summary, the available evidence is currently insufficient to determine the role of this variant in disease. Therefore, it has been classified as a Variant of Uncertain Significance.

NM_004937.3(CTNS):c.829A>G (p.Thr277Ala)

Gene: CTNS (cystinosin, lysosomal cystine transporter; plus strand). Cytogenetic location: 17p13.2.
Variant type: single nucleotide variant.
Coding change: c.829A>G on transcript NM_004937.3 (MANE Select); coding-DNA position 829, A replaced by G.
Protein change: p.Thr277Ala; replaces threonine 277 with alanine.
Molecular consequence: missense variant.
Genome position (GRCh38, 1-based): chr17:3,658,152, A>G. VCF-style: chr17-3658152-A-G. GRCh37 (hg19) VCF-style: chr17-3561446-A-G.
Other names: c.829A>G, p.Thr277Ala (NM_001031681.3, NM_001374492.1); c.388A>G, p.Thr130Ala (NM_001374493.1, NM_001374494.1, NM_001374495.1 and 1 more transcripts); short protein forms T130A, T277A.
Identifiers: ClinVar variation 1983534 (VCV001983534.5), dbSNP rs1380198408, ClinGen allele CA397692695.